The following is an entry in ClinVar:

NM_053004.3(GNB1L):c.836T>C (p.Val279Ala)

Gene: GNB1L (G protein subunit beta 1 like; minus strand). Cytogenetic location: 22q11.21.
Variant type: single nucleotide variant.
Coding change: c.836T>C on transcript NM_053004.3 (MANE Select); coding-DNA position 836, T replaced by C.
Protein change: p.Val279Ala; replaces valine 279 with alanine.
Molecular consequence: missense variant.
Genome position (GRCh38, 1-based): chr22:19,788,857, A>G on the plus strand (T>C on the coding strand, the complement: GNB1L is on the minus strand). VCF-style: chr22-19788857-A-G. GRCh37 (hg19) VCF-style: chr22-19776380-A-G.
Other names: short protein forms V279A.
Identifiers: ClinVar variation 388873 (VCV000388873.2), dbSNP rs867982105, ClinGen allele CA16608111.

ClinVar aggregate classification (germline): Conflicting classifications of pathogenicity. Review status: criteria provided, conflicting classifications (1 of 4 stars). 2 submissions from 2 submitters: Uncertain significance (1); Likely benign (1). Last evaluated 2024-03-20.

Allele frequency attached by ClinVar (database versions not stated): gnomAD exomes 0.00001.
gnomAD v4.1: 17 of 1,612,854 alleles (0.0011%); highest among the groups gnomAD compares: Middle Eastern, 0.27%; no homozygotes.

Submissions (2):

Ambry Genetics
Classification: Uncertain significance. Last evaluated: 2024-03-20. Review status: criteria provided, single submitter. Criteria: Ambry Variant Classification Scheme 2023. Collection method: clinical testing. Allele origin: germline.

GeneDx
Classification: Likely benign. Last evaluated: 2016-09-26. Review status: criteria provided, single submitter. Criteria: GeneDx Variant Classification (06012015). Collection method: clinical testing. Allele origin: germline. Affected: yes.
Comment: This variant is considered likely benign or benign based on one or more of the following criteria: it is a conservative change, it occurs at a poorly conserved position in the protein, it is predicted to be benign by multiple in silico algorithms, and/or has population frequency not consistent with disease.